The following is an entry in ClinVar:

NM_004722.4(AP4M1):c.1317G>A (p.Trp439Ter)

Gene: AP4M1 (adaptor related protein complex 4 subunit mu 1; plus strand). Cytogenetic location: 7q22.1.
Variant type: single nucleotide variant.
Coding change: c.1317G>A on transcript NM_004722.4 (MANE Select); coding-DNA position 1317, G replaced by A.
Protein change: p.Trp439Ter; replaces tryptophan 439 with a stop codon.
Molecular consequence: nonsense.
Genome position (GRCh38, 1-based): chr7:100,106,837, G>A. VCF-style: chr7-100106837-G-A. GRCh37 (hg19) VCF-style: chr7-99704460-G-A.
Other names: c.1338G>A, p.Trp446Ter (NM_001363671.2); short protein forms W439*, W446*.
Identifiers: ClinVar variation 1430466 (VCV001430466.8), dbSNP rs772119268, ClinGen allele CA4375065.

ClinVar aggregate classification (germline): Pathogenic/Likely pathogenic. Review status: criteria provided, multiple submitters, no conflicts (2 of 4 stars). 2 submissions from 2 submitters: Pathogenic (1); Likely pathogenic (1). Last evaluated 2023-03-15.

Conditions:
Hereditary spastic paraplegia 50 (SPG50). Also called: Spastic paraplegia 50, autosomal recessive. Identifiers: Orphanet 280763, MedGen C2752008, MONDO:0013048, OMIM 612936.

Allele frequency attached by ClinVar (database versions not stated): gnomAD exomes below 0.00001; ExAC 0.00001; gnomAD 0.00001; TOPMed 0.00001.

Submissions (2):

Genetic Foundation of Khorasan Razavi (GFKR)
Classification: Likely pathogenic for Hereditary spastic paraplegia 50. Last evaluated: 2023-03-15. Review status: criteria provided, single submitter. Criteria: ACMG Guidelines, 2015. Collection method: clinical testing. Allele origin: inherited. Affected: yes.
Comment: This p.Trp439Ter stop-gain variant is predicted to result in loss of function, which is a well-established disease mechanism for this gene. The variant has been previously submitted to ClinVar and classified as pathogenic (VCV001430466.6), supporting its clinical relevance. In addition, it is extremely rare or absent in population databases, consistent with expectations for a disease-causing allele. This variant has been previously reported in the GenTIGS database.

Labcorp Genetics (formerly Invitae), Labcorp
Classification: Pathogenic for Hereditary spastic paraplegia 50. Last evaluated: 2022-10-28. Review status: criteria provided, single submitter. Criteria: Invitae Variant Classification Sherloc (09022015). Collection method: clinical testing. Allele origin: germline.
Comment: For these reasons, this variant has been classified as Pathogenic. This variant disrupts a region of the AP4M1 protein in which other variant(s) (p.Arg441*) have been determined to be pathogenic (PMID: 26077850, 32979048, 32989326). This suggests that this is a clinically significant region of the protein, and that variants that disrupt it are likely to be disease-causing. ClinVar contains an entry for this variant (Variation ID: 1430466). This variant has not been reported in the literature in individuals affected with AP4M1-related conditions. This variant is present in population databases (rs772119268, gnomAD 0.0009%). This sequence change creates a premature translational stop signal (p.Trp439*) in the AP4M1 gene. While this is not anticipated to result in nonsense mediated decay, it is expected to disrupt the last 15 amino acid(s) of the AP4M1 protein.

Literature cited by the submitters: PubMed 26077850 (cited by Labcorp Genetics (formerly Invitae), Labcorp); PubMed 32979048 (cited by Labcorp Genetics (formerly Invitae), Labcorp); PubMed 32989326 (cited by Labcorp Genetics (formerly Invitae), Labcorp).